The following is an entry in ClinVar:

NM_001267550.2(TTN):c.89357C>T (p.Thr29786Ile)

Genes: TTN-AS1 (TTN antisense RNA 1; plus strand), TTN (titin; minus strand). Cytogenetic location: 2q31.2.
Variant type: single nucleotide variant.
Coding change: c.89357C>T on transcript NM_001267550.2 (MANE Select); coding-DNA position 89357, C replaced by T.
Protein change: p.Thr29786Ile; replaces threonine 29786 with isoleucine.
Molecular consequence: missense variant.
Genome position (GRCh38, 1-based): chr2:178,553,648, G>A on the plus strand (C>T on the coding strand, the complement: TTN is on the minus strand). VCF-style: chr2-178553648-G-A. GRCh37 (hg19) VCF-style: chr2-179418375-G-A.
Other names: c.81653C>T, p.Thr27218Ile (NM_133378.4); c.84434C>T, p.Thr28145Ile (NM_001256850.1); c.62162C>T, p.Thr20721Ile (NM_003319.4); c.62537C>T, p.Thr20846Ile (NM_133432.3); c.62738C>T, p.Thr20913Ile (NM_133437.4); short protein forms T27218I, T29786I, T20846I, T20913I, T20721I, T28145I.
Identifiers: ClinVar variation 229539 (VCV000229539.14), dbSNP rs753966916, ClinGen allele CA1987940.
Genomic context (GRCh38, chr2:178,553,648, plus strand): 5'-TAATTGACTCCAGGTTTCAGGTTGGATACCACATATTCTGTAGTTCTGACCTCTCCTTTG[G>A]TAGAGACAGTAGTCCATTCCTCTTCCTCTCCTTGTCTTATCTCGACAACATACCCAGTAA-3'
Protein context (NP_001254479.2, residues 29776-29796): GEEEEWTTVS[Thr29786Ile]KGEVRTTEYV

ClinVar aggregate classification (germline): Conflicting classifications of pathogenicity. Review status: criteria provided, conflicting classifications (1 of 4 stars). 7 submissions from 7 submitters: Uncertain significance (4); Likely benign (1). 2 of the submissions do not count toward it. Last evaluated 2025-09-12.

Conditions:
TTN-related disorder. Also called: TTN-related disorders; TTN-related condition; TTN-related disease.

Allele frequency attached by ClinVar (database versions not stated): ExAC 0.00002; gnomAD exomes 0.00003; gnomAD 0.00009; TOPMed 0.00011.
gnomAD v4.1: 30 of 1,613,676 alleles (0.0019%); highest among the groups gnomAD compares: African/African-American, 0.029%; no homozygotes.

Submissions (7):

PreventionGenetics, part of Exact Sciences
Classification: Uncertain significance for TTN-related condition. Last evaluated: 2025-09-12. Review status: criteria provided, single submitter. Criteria: ACMG Guidelines, 2015. Collection method: clinical testing. Allele origin: germline.
Comment: The TTN c.89357C>T variant is predicted to result in the amino acid substitution p.Thr29786Ile. This variant has been reported in an individual with dilated cardiomyopathy (reported as c.81653C>T, p.Thr27218Ile from transcript NM_133378 in Supplemental Table 2, Burstein et al. 2021. PubMed ID: 32746448) and in an individual with left ventricular noncompaction (Supplementary Table S2, Mazzarotto et al. 2021. PubMed ID: 33500567). This variant is reported in 0.025% of alleles in individuals of African descent in gnomAD and has conflicting interpretations regarding its pathogenicity in ClinVar, ranging from likely benign to uncertain (Variation ID: 229539). At this time, the clinical significance of this variant is uncertain due to the absence of conclusive functional and genetic evidence.

Revvity Omics, Revvity
Classification: Uncertain significance. Last evaluated: 2023-12-21. Review status: criteria provided, single submitter. Criteria: ACMG Guidelines, 2015. Collection method: clinical testing. Allele origin: germline.

GeneDx
Classification: Likely benign. Last evaluated: 2019-11-14. Review status: criteria provided, single submitter. Criteria: GeneDx Variant Classification Process June 2021. Collection method: clinical testing. Allele origin: germline. Affected: yes.

Athena Diagnostics
Classification: Uncertain significance. Last evaluated: 2017-05-30. Review status: criteria provided, single submitter. Criteria: Athena Diagnostics Criteria. Collection method: clinical testing. Allele origin: germline.

Laboratory for Molecular Medicine, Mass General Brigham Personalized Medicine
Classification: Uncertain significance. Last evaluated: 2015-10-22. Review status: criteria provided, single submitter. Criteria: LMM Criteria. Collection method: clinical testing. Allele origin: germline. Observed: 1 variant allele.
Comment: The p.Thr27218Ile variant in TTN has not been previously reported in individuals with cardiomyopathy but has been identified in 2/11550 Latino chromosomes and 1 /9790 African chromosomes by the Exome Aggregation Consortium (ExAC .). Computational prediction tools and conservation analysis d o not provide strong support for or against an impact to the protein. In summary , the clinical significance of the p.Thr27218Ile variant is uncertain.

Clinical Genetics, Academic Medical Center
Classification: Uncertain significance. Review status: no assertion criteria provided. Collection method: clinical testing. Allele origin: germline. Affected: yes. Study: VKGL Data-share Consensus. Not counted in ClinVar's aggregate classification.

Laboratory of Diagnostic Genome Analysis, Leiden University Medical Center (LUMC)
Classification: Uncertain significance. Review status: no assertion criteria provided. Collection method: clinical testing. Allele origin: germline. Affected: yes. Study: VKGL Data-share Consensus. Not counted in ClinVar's aggregate classification.